The following is an entry in ClinVar:

NM_001283009.2(RTEL1):c.1543G>A (p.Val515Ile)

Genes: RTEL1 (regulator of telomere elongation helicase 1; plus strand), RTEL1-TNFRSF6B (RTEL1-TNFRSF6B readthrough (NMD candidate); plus strand). Cytogenetic location: 20q13.33.
Variant type: single nucleotide variant.
Coding change: c.1543G>A on transcript NM_001283009.2 (MANE Select); coding-DNA position 1543, G replaced by A.
Protein change: p.Val515Ile; replaces valine 515 with isoleucine.
Molecular consequence: missense variant. On other transcripts: non-coding transcript variant (1).
Genome position (GRCh38, 1-based): chr20:63,687,998, G>A. VCF-style: chr20-63687998-G-A. GRCh37 (hg19) VCF-style: chr20-62319351-G-A.
Other names: c.874G>A, p.Val292Ile (NM_001283010.1); c.1543G>A, p.Val515Ile (NM_016434.4); c.1615G>A, p.Val539Ile (NM_032957.5); short protein forms V515I, V539I, V292I.
Identifiers: ClinVar variation 1403472 (VCV001403472.7), dbSNP rs1246091092, ClinGen allele CA409676749.
Genomic context (GRCh38, chr20:63,687,998, plus strand): 5'-CCTTTCCCAGTCTGCCTGGAGAACCCACACATCATCGACAAGCACCAGATCTGGGTGGGG[G>A]TCGTCCCCAGAGGCCCCGATGGAGCCCAGTTGAGCTCCGCGTTTGACAGACGGTGAGGGC-3'
Protein context (NP_001269938.1, residues 505-525): IIDKHQIWVG[Val515Ile]VPRGPDGAQL

ClinVar aggregate classification (germline): Conflicting classifications of pathogenicity. Review status: criteria provided, conflicting classifications (1 of 4 stars). 3 submissions from 3 submitters: Uncertain significance (2); Likely benign (1). Last evaluated 2025-04-11.

Conditions:
Inborn genetic diseases. Identifiers: MedGen C0950123, MeSH D030342.
Pulmonary fibrosis and/or bone marrow failure, Telomere-related, 3. Also called: PULMONARY FIBROSIS AND/OR BONE MARROW FAILURE SYNDROME, TELOMERE-RELATED, 3. Identifiers: Orphanet 2032, MedGen C4225346, MONDO:0014613, OMIM 616373.
Dyskeratosis congenita, autosomal recessive 5 (DKCB5). Identifiers: MedGen C3554656, MONDO:0014076, OMIM 615190.

Allele frequency attached by ClinVar (database versions not stated): gnomAD exomes below 0.00001; TOPMed below 0.00001.

Submissions (3):

Ambry Genetics
Classification: Likely benign for Inborn genetic diseases. Last evaluated: 2025-04-11. Review status: criteria provided, single submitter. Criteria: Ambry Variant Classification Scheme 2023. Collection method: clinical testing. Allele origin: germline.

Labcorp Genetics (formerly Invitae), Labcorp
Classification: Uncertain significance for Dyskeratosis congenita, autosomal recessive 5; Pulmonary fibrosis and/or bone marrow failure, Telomere-related, 3. Last evaluated: 2022-10-04. Review status: criteria provided, single submitter. Criteria: Invitae Variant Classification Sherloc (09022015). Collection method: clinical testing. Allele origin: germline.
Comment: This sequence change replaces valine, which is neutral and non-polar, with isoleucine, which is neutral and non-polar, at codon 515 of the RTEL1 protein (p.Val515Ile). This variant is present in population databases (no rsID available, gnomAD 0.0009%). This variant has not been reported in the literature in individuals affected with RTEL1-related conditions. ClinVar contains an entry for this variant (Variation ID: 1403472). Algorithms developed to predict the effect of missense changes on protein structure and function output the following: SIFT: "Tolerated"; PolyPhen-2: "Benign"; Align-GVGD: "Class C0". The isoleucine amino acid residue is found in multiple mammalian species, which suggests that this missense change does not adversely affect protein function. In summary, the available evidence is currently insufficient to determine the role of this variant in disease. Therefore, it has been classified as a Variant of Uncertain Significance.

GeneDx
Classification: Uncertain significance. Last evaluated: 2022-07-11. Review status: criteria provided, single submitter. Criteria: GeneDx Variant Classification Process June 2021. Collection method: clinical testing. Allele origin: germline. Affected: yes.
Comment: Not observed at significant frequency in large population cohorts (gnomAD); In silico analysis supports that this missense variant does not alter protein structure/function; Has not been previously published as pathogenic or benign to our knowledge